The following is an entry in ClinVar:

ClinVar aggregate classification (germline): Uncertain significance (1 of 4 stars; one submission).

Conditions:
Tuberous sclerosis 1 (TSC1). Identifiers: Orphanet 805, MedGen C1854465, MONDO:0008612, OMIM 191100.

Submission:

Labcorp Genetics (formerly Invitae), Labcorp
Classification: Uncertain significance for Tuberous sclerosis 1. Last evaluated: 2024-05-12. Review status: criteria provided, single submitter. Criteria: Invitae Variant Classification Sherloc (09022015). Collection method: clinical testing. Allele origin: germline.
Comment: This sequence change replaces proline, which is neutral and non-polar, with arginine, which is basic and polar, at codon 513 of the TSC1 protein (p.Pro513Arg). This variant is not present in population databases (gnomAD no frequency). This variant has not been reported in the literature in individuals affected with TSC1-related conditions. Advanced modeling of protein sequence and biophysical properties (such as structural, functional, and spatial information, amino acid conservation, physicochemical variation, residue mobility, and thermodynamic stability) performed at Invitae indicates that this missense variant is not expected to disrupt TSC1 protein function with a negative predictive value of 95%. In summary, the available evidence is currently insufficient to determine the role of this variant in disease. Therefore, it has been classified as a Variant of Uncertain Significance.

NM_000368.5(TSC1):c.1538C>G (p.Pro513Arg)

Gene: TSC1 (TSC complex subunit 1; minus strand). Cytogenetic location: 9q34.13.
Variant type: single nucleotide variant.
Coding change: c.1538C>G on transcript NM_000368.5 (MANE Select); coding-DNA position 1538, C replaced by G.
Protein change: p.Pro513Arg; replaces proline 513 with arginine.
Molecular consequence: missense variant. On other transcripts: non-coding transcript variant (5).
Genome position (GRCh38, 1-based): chr9:132,906,040, G>C on the plus strand (C>G on the coding strand, the complement: TSC1 is on the minus strand). VCF-style: chr9-132906040-G-C. GRCh37 (hg19) VCF-style: chr9-135781427-G-C.
Other names: c.1535C>G, p.Pro512Arg (NM_001162426.2, NM_001406597.1, NM_001406598.1 and 6 more transcripts); c.1385C>G, p.Pro462Arg (NM_001162427.2, NM_001406610.1); c.1175C>G, p.Pro392Arg (NM_001362177.2, NM_001406614.1, NM_001406615.1 and 5 more transcripts); c.1538C>G, p.Pro513Arg (NM_001406592.1, NM_001406593.1, NM_001406594.1 and 7 more transcripts); c.1382C>G, p.Pro461Arg (NM_001406612.1, NM_001406613.1, NM_001406611.1); c.1172C>G, p.Pro391Arg (NM_001406620.1, NM_001406621.1, NM_001406622.1 and 2 more transcripts); c.587C>G, p.Pro196Arg (NM_001406626.1); c.584C>G, p.Pro195Arg (NM_001406627.1, NM_001406628.1); and 1 more; short protein forms P461R, P196R, P195R, P462R, P512R, P162R, P391R, P392R.
Identifiers: ClinVar variation 3653094 (VCV003653094.2).